The following is an entry in ClinVar:

ClinVar aggregate classification (germline): Uncertain significance (1 of 4 stars; one submission).

Submission:

Labcorp Genetics (formerly Invitae), Labcorp
Classification: Uncertain significance. Last evaluated: 2025-04-11. Review status: criteria provided, single submitter. Criteria: Invitae Variant Classification Sherloc (09022015). Collection method: clinical testing. Allele origin: germline.
Comment: This sequence change replaces histidine, which is basic and polar, with arginine, which is basic and polar, at codon 167 of the ROM1 protein (p.His167Arg). This variant is not present in population databases (gnomAD no frequency). This variant has not been reported in the literature in individuals affected with ROM1-related conditions. Invitae Evidence Modeling of protein sequence and biophysical properties (such as structural, functional, and spatial information, amino acid conservation, physicochemical variation, residue mobility, and thermodynamic stability) indicates that this missense variant is not expected to disrupt ROM1 protein function with a negative predictive value of 80%. In summary, the available evidence is currently insufficient to determine the role of this variant in disease. Therefore, it has been classified as a Variant of Uncertain Significance.

NM_000327.4(ROM1):c.500A>G (p.His167Arg)

Gene: ROM1 (retinal outer segment membrane protein 1; plus strand). Cytogenetic location: 11q12.3.
Variant type: single nucleotide variant.
Coding change: c.500A>G on transcript NM_000327.4 (MANE Select); coding-DNA position 500, A replaced by G.
Protein change: p.His167Arg; replaces histidine 167 with arginine.
Molecular consequence: missense variant.
Genome position (GRCh38, 1-based): chr11:62,613,781, A>G. VCF-style: chr11-62613781-A-G. GRCh37 (hg19) VCF-style: chr11-62381253-A-G.
Other names: short protein forms H167R.
Identifiers: ClinVar variation 4744150 (VCV004744150.1).